The following is an entry in ClinVar:

ClinVar aggregate classification (germline): Uncertain significance (1 of 4 stars; one submission).

Conditions:
Congenital disorder of glycosylation, type Ii. Also called: CDG Ii; ALG2-congenital disorder of glycosylation; ALG2-CDG. Identifiers: Orphanet 79326, MedGen C1842836, MONDO:0011933, OMIM 607906.
Congenital myasthenic syndrome 14. Also called: Myasthenic syndrome, congenital, 14, with tubular aggregates. Identifiers: Orphanet 353327, Orphanet 590, MedGen C4015597, MONDO:0014543, OMIM 616228.

Allele frequency attached by ClinVar (database versions not stated): gnomAD exomes below 0.00001.

Submission:

Labcorp Genetics (formerly Invitae), Labcorp
Classification: Uncertain significance for Congenital disorder of glycosylation, type Ii; Congenital myasthenic syndrome 14. Last evaluated: 2022-07-12. Review status: criteria provided, single submitter. Criteria: Invitae Variant Classification Sherloc (09022015). Collection method: clinical testing. Allele origin: germline.
Comment: In summary, the available evidence is currently insufficient to determine the role of this variant in disease. Therefore, it has been classified as a Variant of Uncertain Significance. Algorithms developed to predict the effect of missense changes on protein structure and function (SIFT, PolyPhen-2, Align-GVGD) all suggest that this variant is likely to be tolerated. ClinVar contains an entry for this variant (Variation ID: 647355). This variant has not been reported in the literature in individuals affected with ALG2-related conditions. This variant is not present in population databases (gnomAD no frequency). This sequence change replaces alanine, which is neutral and non-polar, with valine, which is neutral and non-polar, at codon 61 of the ALG2 protein (p.Ala61Val).

NM_033087.4(ALG2):c.182C>T (p.Ala61Val)

Gene: ALG2 (ALG2 alpha-1,3/1,6-mannosyltransferase; minus strand). Cytogenetic location: 9q22.33.
Variant type: single nucleotide variant.
Coding change: c.182C>T on transcript NM_033087.4 (MANE Select); coding-DNA position 182, C replaced by T.
Protein change: p.Ala61Val; replaces alanine 61 with valine.
Molecular consequence: missense variant. On other transcripts: non-coding transcript variant (1).
Genome position (GRCh38, 1-based): chr9:99,221,713, G>A on the plus strand (C>T on the coding strand, the complement: ALG2 is on the minus strand). VCF-style: chr9-99221713-G-A. GRCh37 (hg19) VCF-style: chr9-101983995-G-A.
Other names: short protein forms A61V.
Identifiers: ClinVar variation 647355 (VCV000647355.8), dbSNP rs1588620643, ClinGen allele CA374232060.